The following is an entry in ClinVar:

NM_173630.4(RTTN):c.3128A>G (p.Glu1043Gly)

Gene: RTTN (rotatin; minus strand). Cytogenetic location: 18q22.2.
Variant type: single nucleotide variant.
Coding change: c.3128A>G on transcript NM_173630.4 (MANE Select); coding-DNA position 3128, A replaced by G.
Protein change: p.Glu1043Gly; replaces glutamic acid 1043 with glycine.
Molecular consequence: missense variant.
Genome position (GRCh38, 1-based): chr18:70,128,373, T>C on the plus strand (A>G on the coding strand, the complement: RTTN is on the minus strand). VCF-style: chr18-70128373-T-C. GRCh37 (hg19) VCF-style: chr18-67795609-T-C.
Other names: c.392A>G, p.Glu131Gly (NM_001318520.2); short protein forms E131G, E1043G.
Identifiers: ClinVar variation 2194014 (VCV002194014.1), dbSNP rs945861176, ClinGen allele CA301963515.

ClinVar aggregate classification (germline): Uncertain significance (1 of 4 stars; one submission).

Allele frequency attached by ClinVar (database versions not stated): gnomAD 0.00001; TOPMed 0.00001; gnomAD exomes 0.00002.
gnomAD v4.1: 42 of 1,611,996 alleles (0.0026%); highest among the groups gnomAD compares: Non-Finnish European, 0.0028%; no homozygotes.

Submission:

Labcorp Genetics (formerly Invitae), Labcorp
Classification: Uncertain significance. Last evaluated: 2022-04-06. Review status: criteria provided, single submitter. Criteria: Invitae Variant Classification Sherloc (09022015). Collection method: clinical testing. Allele origin: germline.
Comment: This sequence change replaces glutamic acid, which is acidic and polar, with glycine, which is neutral and non-polar, at codon 1043 of the RTTN protein (p.Glu1043Gly). This variant is present in population databases (no rsID available, gnomAD 0.004%). This variant has not been reported in the literature in individuals affected with RTTN-related conditions. Algorithms developed to predict the effect of missense changes on protein structure and function output the following: SIFT: "Deleterious"; PolyPhen-2: "Benign"; Align-GVGD: "Class C0". The glycine amino acid residue is found in multiple mammalian species, which suggests that this missense change does not adversely affect protein function. In summary, the available evidence is currently insufficient to determine the role of this variant in disease. Therefore, it has been classified as a Variant of Uncertain Significance.